The following is an entry in ClinVar:

NM_058172.6(ANTXR2):c.957C>T (p.Ile319=)

Gene: ANTXR2 (ANTXR cell adhesion molecule 2; minus strand). Cytogenetic location: 4q21.21.
Variant type: single nucleotide variant.
Coding change: c.957C>T on transcript NM_058172.6 (MANE Select); coding-DNA position 957, C replaced by T.
Protein change: p.Ile319=; no amino-acid change (isoleucine 319 retained).
Molecular consequence: synonymous variant.
Genome position (GRCh38, 1-based): chr4:80,008,605, G>A on the plus strand (C>T on the coding strand, the complement: ANTXR2 is on the minus strand). VCF-style: chr4-80008605-G-A. GRCh37 (hg19) VCF-style: chr4-80929759-G-A.
Other names: c.957C>T, p.Ile319= (NM_001145794.2); c.726C>T, p.Ile242= (NM_001286780.2, NM_001286781.2).
Identifiers: ClinVar variation 756450 (VCV000756450.6), dbSNP rs372195102, ClinGen allele CA2981788.

ClinVar aggregate classification (germline): Likely benign. Review status: criteria provided, single submitter (1 of 4 stars). 2 submissions from 2 submitters: Likely benign (1). 1 of the submissions does not count toward it. Last evaluated 2019-12-31.

Conditions:
ANTXR2-related disorder. Also called: ANTXR2-related condition.

Allele frequency attached by ClinVar (database versions not stated): ExAC 0.00004; gnomAD exomes 0.00004; TOPMed 0.00006; ESP Exome Variant Server 0.00016.
gnomAD v4.1: 45 of 1,600,590 alleles (0.0028%); highest among the groups gnomAD compares: African/African-American, 0.011%; no homozygotes.

Submissions (2):

Labcorp Genetics (formerly Invitae), Labcorp
Classification: Likely benign. Last evaluated: 2019-12-31. Review status: criteria provided, single submitter. Criteria: Invitae Variant Classification Sherloc (09022015). Collection method: clinical testing. Allele origin: germline.

PreventionGenetics, part of Exact Sciences
Classification: Likely benign for ANTXR2-related condition. Last evaluated: 2019-07-30. Review status: no assertion criteria provided. Collection method: clinical testing. Allele origin: germline. Not counted in ClinVar's aggregate classification.
Comment: This variant is classified as likely benign based on ACMG/AMP sequence variant interpretation guidelines (Richards et al. 2015 PMID: 25741868, with internal and published modifications).